The following is an entry in ClinVar:

NM_000465.4(BARD1):c.664G>A (p.Ala222Thr)

Gene: BARD1 (BRCA1 associated RING domain 1; minus strand). Cytogenetic location: 2q35.
Variant type: single nucleotide variant.
Coding change: c.664G>A on transcript NM_000465.4 (MANE Select); coding-DNA position 664, G replaced by A.
Protein change: p.Ala222Thr; replaces alanine 222 with threonine.
Molecular consequence: missense variant. On other transcripts: non-coding transcript variant (2), intron variant (3).
Genome position (GRCh38, 1-based): chr2:214,781,210, C>T on the plus strand (G>A on the coding strand, the complement: BARD1 is on the minus strand). VCF-style: chr2-214781210-C-T. GRCh37 (hg19) VCF-style: chr2-215645934-C-T.
Other names: c.607G>A, p.Ala203Thr (NM_001282543.2); c.158+28202G>A (NM_001282548.2); c.215+15851G>A (NM_001282545.2); c.364+11087G>A (NM_001282549.2); short protein forms A203T, A222T.
Identifiers: ClinVar variation 652233 (VCV000652233.14), dbSNP rs1574820102, ClinGen allele CA350456520.

ClinVar aggregate classification (germline): Conflicting classifications of pathogenicity. Review status: criteria provided, conflicting classifications (1 of 4 stars). 2 submissions from 2 submitters: Uncertain significance (1); Likely benign (1). Last evaluated 2024-02-26.

Conditions:
Hereditary cancer-predisposing syndrome. Also called: Neoplastic Syndromes, Hereditary; Tumor predisposition; Hereditary Cancer Syndrome; Hereditary neoplastic syndrome. Identifiers: Orphanet 140162, MedGen C0027672, MeSH D009386, MONDO:0015356.
Familial cancer of breast. Also called: hereditary breast carcinoma; BREAST CANCER, FAMILIAL; Hereditary breast cancer. Identifiers: Orphanet 227535, MedGen C0346153, MONDO:0016419, OMIM 114480. Disease mechanism: loss of function.

Submissions (2):

Labcorp Genetics (formerly Invitae), Labcorp
Classification: Uncertain significance for Familial cancer of breast. Last evaluated: 2024-02-26. Review status: criteria provided, single submitter. Criteria: Invitae Variant Classification Sherloc (09022015). Collection method: clinical testing. Allele origin: germline.
Comment: This sequence change replaces alanine, which is neutral and non-polar, with threonine, which is neutral and polar, at codon 222 of the BARD1 protein (p.Ala222Thr). This variant is not present in population databases (gnomAD no frequency). This variant has not been reported in the literature in individuals affected with BARD1-related conditions. ClinVar contains an entry for this variant (Variation ID: 652233). Algorithms developed to predict the effect of missense changes on protein structure and function output the following: SIFT: "Not Available"; PolyPhen-2: "Benign"; Align-GVGD: "Not Available". The threonine amino acid residue is found in multiple mammalian species, which suggests that this missense change does not adversely affect protein function. In summary, the available evidence is currently insufficient to determine the role of this variant in disease. Therefore, it has been classified as a Variant of Uncertain Significance.

Ambry Genetics
Classification: Likely benign for Hereditary cancer-predisposing syndrome. Last evaluated: 2024-02-23. Review status: criteria provided, single submitter. Criteria: Ambry Variant Classification Scheme 2023. Collection method: clinical testing. Allele origin: germline.